The following is an entry in ClinVar:

NM_020778.5(ALPK3):c.2157C>A (p.Ala719=)

Gene: ALPK3 (alpha kinase 3; plus strand). Cytogenetic location: 15q25.3.
Variant type: single nucleotide variant.
Coding change: c.2157C>A on transcript NM_020778.5 (MANE Select); coding-DNA position 2157, C replaced by A.
Protein change: p.Ala719=; no amino-acid change (alanine 719 retained).
Molecular consequence: synonymous variant.
Genome position (GRCh38, 1-based): chr15:84,856,895, C>A. VCF-style: chr15-84856895-C-A. GRCh37 (hg19) VCF-style: chr15-85400126-C-A.
Identifiers: ClinVar variation 681058 (VCV000681058.7), dbSNP rs1165760143, ClinGen allele CA492273015.

ClinVar aggregate classification (germline): Likely benign. Review status: criteria provided, multiple submitters, no conflicts (2 of 4 stars). 4 submissions from 4 submitters: Likely benign (4). Last evaluated 2026-07-13.

Conditions:
Cardiovascular phenotype. Identifiers: MedGen CN230736.

Allele frequency attached by ClinVar (database versions not stated): gnomAD exomes below 0.00001; TOPMed 0.00001.
gnomAD v4.1: 3 of 1,613,998 alleles (0.00019%); highest among the groups gnomAD compares: Non-Finnish European, 0.00025%; no homozygotes.

Submissions (4):

Ambry Genetics
Classification: Likely benign for Cardiovascular phenotype. Last evaluated: 2026-07-13. Review status: criteria provided, single submitter. Criteria: Ambry Variant Classification Scheme 2023. Collection method: clinical testing. Allele origin: germline.

Women's Health and Genetics/Laboratory Corporation of America, LabCorp
Classification: Likely benign. Last evaluated: 2024-02-19. Review status: criteria provided, single submitter. Criteria: LabCorp Variant Classification Summary - May 2015. Collection method: clinical testing. Allele origin: germline.

Labcorp Genetics (formerly Invitae), Labcorp
Classification: Likely benign. Last evaluated: 2023-11-08. Review status: criteria provided, single submitter. Criteria: Invitae Variant Classification Sherloc (09022015). Collection method: clinical testing. Allele origin: germline.

GeneDx
Classification: Likely benign. Last evaluated: 2018-03-23. Review status: criteria provided, single submitter. Criteria: GeneDx Variant Classification (06012015). Collection method: clinical testing. Allele origin: germline. Affected: yes.
Comment: This variant is considered likely benign or benign based on one or more of the following criteria: it is a conservative change, it occurs at a poorly conserved position in the protein, it is predicted to be benign by multiple in silico algorithms, and/or has population frequency not consistent with disease.